The following is an entry in ClinVar:

ClinVar aggregate classification (germline): Uncertain significance (1 of 4 stars; one submission).

Submission:

Ambry Genetics
Classification: Uncertain significance. Last evaluated: 2024-11-11. Review status: criteria provided, single submitter. Criteria: Ambry Variant Classification Scheme 2023. Collection method: clinical testing. Allele origin: germline.
Comment: The p.P2018L variant (also known as c.6053C>T), located in coding exon 19 of the POLQ gene, results from a C to T substitution at nucleotide position 6053. The proline at codon 2018 is replaced by leucine, an amino acid with similar properties. This amino acid position is conserved. In addition, this alteration is predicted to be tolerated by in silico analysis. Based on the available evidence, the clinical significance of this variant remains unclear.

NM_199420.4(POLQ):c.6053C>T (p.Pro2018Leu)

Gene: POLQ (DNA polymerase theta; minus strand). Cytogenetic location: 3q13.33.
Variant type: single nucleotide variant.
Coding change: c.6053C>T on transcript NM_199420.4 (MANE Select); coding-DNA position 6053, C replaced by T.
Protein change: p.Pro2018Leu; replaces proline 2018 with leucine.
Molecular consequence: missense variant.
Genome position (GRCh38, 1-based): chr3:121,481,730, G>A on the plus strand (C>T on the coding strand, the complement: POLQ is on the minus strand). VCF-style: chr3-121481730-G-A. GRCh37 (hg19) VCF-style: chr3-121200577-G-A.
Other names: short protein forms P2018L.
Identifiers: ClinVar variation 3422657 (VCV003422657.1).
Genomic context (GRCh38, chr3:121,481,730, plus strand): 5'-CTGCCAGCATTTAGCCCCAGGCTTTGAATCCCTTGGCTGGTCTCCATCCCTTCTAGGAGT[G>A]GAAGCTCATGAGGAAGAAAACTGGTAACTATGCTATGAAGAGTCGGCTCCTGAGAATCTG-3'
Protein context (NP_955452.3, residues 2008-2028): IVTSFLPHEL[Pro2018Leu]LLEGMETSQG